The following is an entry in ClinVar:

NM_057175.5(NAA15):c.464C>G (p.Ala155Gly)

Gene: NAA15 (N-alpha-acetyltransferase 15, NatA auxiliary subunit; plus strand). Cytogenetic location: 4q31.1.
Variant type: single nucleotide variant.
Coding change: c.464C>G on transcript NM_057175.5 (MANE Select); coding-DNA position 464, C replaced by G.
Protein change: p.Ala155Gly; replaces alanine 155 with glycine.
Molecular consequence: missense variant.
Genome position (GRCh38, 1-based): chr4:139,342,887, C>G. VCF-style: chr4-139342887-C-G. GRCh37 (hg19) VCF-style: chr4-140264041-C-G.
Other names: c.464C>G, p.Ala155Gly (NM_025085.2, NM_001410842.1); short protein forms A155G.
Identifiers: ClinVar variation 2430366 (VCV002430366.2), dbSNP rs2530375324, ClinGen allele CA358260124.

ClinVar aggregate classification (germline): Uncertain significance (1 of 4 stars; one submission).

Submission:

Centre of Medical Genetics, University Hospital Muenster
Classification: Uncertain significance. Last evaluated: 2023-01-17. Review status: criteria provided, single submitter. Criteria: ACMG Guidelines, 2015. Collection method: clinical testing. Allele origin: unknown. Affected: yes. Observed: 1 variant allele, 1 heterozygote.
Comment: ACMG categories: PM1,PM2,PP3